The following is an entry in ClinVar:

NM_001199397.3(NEK1):c.*1222T>G

Gene: NEK1 (NIMA related kinase 1; minus strand). Cytogenetic location: 4q33.
Variant type: single nucleotide variant.
Coding change: c.*1222T>G on transcript NM_001199397.3 (MANE Select); 1222 bases downstream of the stop codon, T replaced by G.
Molecular consequence: 3 prime UTR variant. On other transcripts: non-coding transcript variant (1).
Genome position (GRCh38, 1-based): chr4:169,393,288, A>C on the plus strand (T>G on the coding strand, the complement: NEK1 is on the minus strand). VCF-style: chr4-169393288-A-C. GRCh37 (hg19) VCF-style: chr4-170314439-A-C.
Other names: c.*1222T>G (NM_001199398.3, NM_001199399.3, NM_001199400.3 and 5 more transcripts).
Identifiers: ClinVar variation 903090 (VCV000903090.4), dbSNP rs543801862, ClinGen allele CA110542566.
Genomic context (GRCh38, chr4:169,393,288, plus strand): 5'-TCTATTGAGAAAAGTAAAATAATAAATAAAAGACAATTGATATACTTCAGGTAGATAATA[A>C]AAATTTAATAGCAATATCATAAAATAAACACACATATTAAAAAATCAAGTATTTAGTTTC-3'

ClinVar aggregate classification (germline): Likely benign (1 of 4 stars; one submission).

Conditions:
Short-rib thoracic dysplasia 6 with or without polydactyly (SRTD6). Also called: Majewski Syndrome; POLYDACTYLY WITH NEONATAL CHONDRODYSTROPHY, TYPE II; SHORT RIB-POLYDACTYLY SYNDROME, TYPE IIA; SHORT-RIB THORACIC DYSPLASIA 6 WITH POLYDACTYLY; SHORT-RIB THORACIC DYSPLASIA 6 WITHOUT POLYDACTYLY. Identifiers: MedGen C0024507, MONDO:0009894, OMIM 263520.

Allele frequency attached by ClinVar (database versions not stated): gnomAD 0.00028 and 0.00027; 1000 Genomes Project 0.00060; 1000 Genomes Project 30x 0.00078; TOPMed 0.00020.
gnomAD v4.1: 41 of 152,338 alleles (0.027%); highest among the groups gnomAD compares: African/African-American, 0.099%; no homozygotes.

Submission:

Illumina Laboratory Services, Illumina
Classification: Likely benign for Short-rib thoracic dysplasia 6 with or without polydactyly. Last evaluated: 2018-01-13. Review status: criteria provided, single submitter. Criteria: ICSL Variant Classification Criteria 13 December 2019. Collection method: clinical testing. Allele origin: germline.
Comment: This variant was observed in the ICSL laboratory as part of a predisposition screen in an ostensibly healthy population. It had not been previously curated by ICSL or reported in the Human Gene Mutation Database (HGMD: prior to June 1st, 2018), and was therefore a candidate for classification through an automated scoring system. Utilizing variant allele frequency, disease prevalence and penetrance estimates, and inheritance mode, an automated score was calculated to assess if this variant is too frequent to cause the disease. Based on the score and internal cut-off values, a variant classified as likely benign is not then subjected to further curation. The score for this variant resulted in a classification of likely benign for this disease.